The following is an entry in ClinVar:

ClinVar aggregate classification (germline): Uncertain significance (0 of 4 stars; one submission).

Conditions:
NRP2-related disorder. Also called: NRP2-related condition.

Allele frequency attached by ClinVar (database versions not stated): ExAC 0.00002; TOPMed 0.00002; gnomAD 0.00003.
gnomAD v4.1: 10 of 1,613,976 alleles (0.00062%); highest among the groups gnomAD compares: East Asian, 0.0022%; no homozygotes.

Submission:

PreventionGenetics, part of Exact Sciences
Classification: Uncertain significance for NRP2-related condition. Last evaluated: 2024-06-19. Review status: no assertion criteria provided. Collection method: clinical testing. Allele origin: germline.
Comment: The NRP2 c.2338C>T variant is predicted to result in the amino acid substitution p.Arg780Cys. To our knowledge, this variant has not been reported in the literature. This variant is reported in 0.010% of alleles in individuals of East Asian descent in gnomAD. At this time, the clinical significance of this variant is uncertain due to the absence of conclusive functional and genetic evidence.

NM_003872.3(NRP2):c.2338C>T (p.Arg780Cys)

Gene: NRP2 (neuropilin 2; plus strand). Cytogenetic location: 2q33.3.
Variant type: single nucleotide variant.
Coding change: c.2338C>T on transcript NM_003872.3 (MANE Select); coding-DNA position 2338, C replaced by T.
Protein change: p.Arg780Cys; replaces arginine 780 with cysteine.
Molecular consequence: missense variant.
Genome position (GRCh38, 1-based): chr2:205,765,504, C>T. VCF-style: chr2-205765504-C-T. GRCh37 (hg19) VCF-style: chr2-206630228-C-T.
Other names: c.2338C>T, p.Arg780Cys (NM_018534.4, NM_201266.2, NM_201267.2 and 1 more transcripts); short protein forms R780C.
Identifiers: ClinVar variation 2629412 (VCV002629412.2), dbSNP rs778272896, ClinGen allele CA2069368.